The following is an entry in ClinVar:

ClinVar aggregate classification (germline): Uncertain significance (1 of 4 stars; one submission).

Conditions:
Epilepsy, X-linked 1, with variable learning disabilities and behavior disorders. Also called: X-linked epilepsy-learning disabilities-behavior disorders syndrome. Identifiers: Orphanet 85294, MedGen C5774177, MONDO:0010339, OMIM 300491.

Allele frequency attached by ClinVar (database versions not stated): gnomAD exomes below 0.00001 and 0.00001.
gnomAD v4.1: 1 of 1,187,205 alleles (0.000084%); highest among the groups gnomAD compares: Admixed American, 0.0024%; no homozygotes.

Submission:

Labcorp Genetics (formerly Invitae), Labcorp
Classification: Uncertain significance for Epilepsy, X-linked 1, with variable learning disabilities and behavior disorders. Last evaluated: 2023-08-04. Review status: criteria provided, single submitter. Criteria: Invitae Variant Classification Sherloc (09022015). Collection method: clinical testing. Allele origin: germline.
Comment: ClinVar contains an entry for this variant (Variation ID: 944511). This sequence change replaces proline, which is neutral and non-polar, with threonine, which is neutral and polar, at codon 455 of the SYN1 protein (p.Pro455Thr). The frequency data for this variant in the population databases is considered unreliable, as metrics indicate poor data quality at this position in the gnomAD database. This variant has not been reported in the literature in individuals affected with SYN1-related conditions. An algorithm developed to predict the effect of missense changes on protein structure and function (PolyPhen-2) suggests that this variant is likely to be tolerated. In summary, the available evidence is currently insufficient to determine the role of this variant in disease. Therefore, it has been classified as a Variant of Uncertain Significance.

NM_006950.3(SYN1):c.1363C>A (p.Pro455Thr)

Gene: SYN1 (synapsin I; minus strand). Cytogenetic location: Xp11.3.
Variant type: single nucleotide variant.
Coding change: c.1363C>A on transcript NM_006950.3 (MANE Select); coding-DNA position 1363, C replaced by A.
Protein change: p.Pro455Thr; replaces proline 455 with threonine.
Molecular consequence: missense variant.
Genome position (GRCh38, 1-based): chrX:47,574,718, G>T on the plus strand (C>A on the coding strand, the complement: SYN1 is on the minus strand). VCF-style: chrX-47574718-G-T. GRCh37 (hg19) VCF-style: chrX-47434117-G-T.
Other names: c.1363C>A, p.Pro455Thr (NM_133499.2); short protein forms P455T.
Identifiers: ClinVar variation 944511 (VCV000944511.14), dbSNP rs1371497364, ClinGen allele CA412824582.